The following is an entry in ClinVar:

ClinVar aggregate classification (germline): Uncertain significance (1 of 4 stars; one submission).

Conditions:
MHC class II deficiency. Also called: Bare lymphocyte syndrome 2; BLS, TYPE II. Identifiers: Orphanet 572, MedGen C5447452, MONDO:0008855.

Allele frequency attached by ClinVar (database versions not stated): gnomAD exomes below 0.00001.

Submission:

Labcorp Genetics (formerly Invitae), Labcorp
Classification: Uncertain significance for MHC class II deficiency. Last evaluated: 2018-05-13. Review status: criteria provided, single submitter. Criteria: Invitae Variant Classification Sherloc (09022015). Collection method: clinical testing. Allele origin: germline.
Comment: In summary, the available evidence is currently insufficient to determine the role of this variant in disease. Therefore, it has been classified as a Variant of Uncertain Significance. Experimental studies and prediction algorithms are not available for this variant, and the functional significance of the disrupted amino acids is currently unknown. This variant has not been reported in the literature in individuals with RFXANK-related disease. This variant is not present in population databases (ExAC no frequency). This variant, c.266_268delTAG, results in the deletion of 2 amino acids and insertion of one amino acid in the RFXANK protein (p.Leu89_Asp90delinsHis), but otherwise preserves the integrity of the reading frame.

NM_003721.4(RFXANK):c.266_268del (p.Leu89_Asp90delinsHis)

Gene: RFXANK (regulatory factor X associated ankyrin containing protein; plus strand). Cytogenetic location: 19p13.11.
Variant type: Deletion.
Coding change: c.266_268del on transcript NM_003721.4 (MANE Select); coding-DNA positions 266 to 268, 3 bases deleted (TAG; older notation c.266_268delTAG).
Protein change: p.Leu89_Asp90delinsHis.
Molecular consequence: inframe indel.
Genome position (GRCh38, 1-based): chr19:19,197,041-19,197,043, TAG deleted. VCF-style (leftmost placement, unchanged base first): chr19-19197040-CTAG-C. GRCh37 (hg19) VCF-style: chr19-19307849-CTAG-C.
Other names: c.266_268del, p.Leu89_Asp90delinsHis (NM_001278727.2, NM_001370233.1, NM_001370234.1 and 1 more transcripts); c.263_265del, p.Leu88_Asp89delinsHis (NM_001278728.2, NM_001370235.1, NM_001370236.1 and 2 more transcripts).
Identifiers: ClinVar variation 571767 (VCV000571767.7), dbSNP rs1568578747, ClinGen allele CA891843803.